The following is an entry in ClinVar:

NM_172107.4(KCNQ2):c.1681C>T (p.Pro561Ser)

Gene: KCNQ2 (potassium voltage-gated channel subfamily Q member 2; minus strand). Cytogenetic location: 20q13.33.
Variant type: single nucleotide variant.
Coding change: c.1681C>T on transcript NM_172107.4 (MANE Select); coding-DNA position 1681, C replaced by T.
Protein change: p.Pro561Ser; replaces proline 561 with serine.
Molecular consequence: missense variant.
Genome position (GRCh38, 1-based): chr20:63,413,532, G>A on the plus strand (C>T on the coding strand, the complement: KCNQ2 is on the minus strand). VCF-style: chr20-63413532-G-A. GRCh37 (hg19) VCF-style: chr20-62044885-G-A.
Other names: c.1627C>T, p.Pro543Ser (NM_001382235.1, NM_172106.3); c.1597C>T, p.Pro533Ser (NM_004518.6); c.1588C>T, p.Pro530Ser (NM_172108.5); short protein forms P530S, P533S, P543S, P561S.
Identifiers: ClinVar variation 1301899 (VCV001301899.1), dbSNP rs2145542063, ClinGen allele CA409643810.
Genomic context (GRCh38, chr20:63,413,532, plus strand): 5'-GGGACAGCATGTCCAGGTGGCCGGCTGAGTACTGCTCGATGACGTCCATCACGTCGTAGG[G>A]CCGCAGGCTCTCCTTGAACTTCCGCTTGGACACCAGGAACCGCATGACACTGCAGGGGGG-3'
Protein context (NP_742105.1, residues 551-571): SKRKFKESLR[Pro561Ser]YDVMDVIEQY

ClinVar aggregate classification (germline): Pathogenic (1 of 4 stars; one submission).

Conditions:
KCNQ2-Related Disorders. Also called: KCNQ2-related condition; KCNQ2-related disorder. Identifiers: MedGen CN169299.

Submission:

Rady Children's Institute for Genomic Medicine, Rady Children's Hospital San Diego
Classification: Pathogenic for KCNQ2-Related Disorders. Last evaluated: 2020-05-14. Review status: criteria provided, single submitter. Criteria: ACMG Guidelines, 2015. Collection method: clinical testing. Allele origin: germline. Affected: yes.
Comment: This variant has been previously reported as a heterozygous, de novo, change in multiple patients with early infantile epileptic encephalopathy and with a developmental disorder (PMID: 26993267, 28867141). Another missense variant at this position resulting in a different amino acid (p.Pro561Leu) has been reported in patients with Ohtahara syndrome and with epilepsy and/or a neurodevelopmental disorder (PMID: 23621294, 29655203). It is absent from the gnomAD population database and thus is presumed to be rare. The c.1681C>T (p.Pro561Ser) variant affects a highly conserved amino acid and is predicted by multiple in silico tools to have a deleterious effect on protein function. Analysis of the parental samples was negative for the variant, indicating this variant likely occurred as a de novo event. Based on the available evidence, the c.1681C>T (p.Pro561Ser) variant is classified as Pathogenic.